The following is an entry in ClinVar:

ClinVar aggregate classification (germline): Uncertain significance. Review status: criteria provided, multiple submitters, no conflicts (2 of 4 stars). 4 submissions from 3 submitters: Uncertain significance (4). Last evaluated 2022-03-18.

Conditions:
Cardiovascular phenotype. Identifiers: MedGen CN230736.
Arrhythmogenic right ventricular dysplasia 2. Identifiers: MedGen C1832931.
Catecholaminergic polymorphic ventricular tachycardia 1. Also called: RYR2-Related Catecholaminergic Polymorphic Ventricular Tachycardia; VENTRICULAR TACHYCARDIA, CATECHOLAMINERGIC POLYMORPHIC, 1, WITH OR WITHOUT ATRIAL DYSFUNCTION AND/OR DILATED CARDIOMYOPATHY; VENTRICULAR TACHYCARDIA, STRESS-INDUCED POLYMORPHIC 1. Identifiers: Orphanet 3286, MedGen C1631597, MONDO:0011484, OMIM 604772.

Allele frequency attached by ClinVar (database versions not stated): gnomAD exomes below 0.00001.
gnomAD v4.1: 1 of 1,613,920 alleles (0.000062%); highest among the groups gnomAD compares: Admixed American, 0.0017%; no homozygotes.

Submissions (4):

Labcorp Genetics (formerly Invitae), Labcorp
Classification: Uncertain significance for Catecholaminergic polymorphic ventricular tachycardia 1. Last evaluated: 2022-03-18. Review status: criteria provided, single submitter. Criteria: Invitae Variant Classification Sherloc (09022015). Collection method: clinical testing. Allele origin: germline.
Comment: This sequence change replaces threonine, which is neutral and polar, with alanine, which is neutral and non-polar, at codon 2444 of the RYR2 protein (p.Thr2444Ala). This variant is not present in population databases (gnomAD no frequency). This missense change has been observed in individual(s) with sudden unexplained death (PMID: 29247119). ClinVar contains an entry for this variant (Variation ID: 874535). Advanced modeling of protein sequence and biophysical properties (such as structural, functional, and spatial information, amino acid conservation, physicochemical variation, residue mobility, and thermodynamic stability) performed at Invitae indicates that this missense variant is not expected to disrupt RYR2 protein function. In summary, the available evidence is currently insufficient to determine the role of this variant in disease. Therefore, it has been classified as a Variant of Uncertain Significance.

Ambry Genetics
Classification: Uncertain significance for Cardiovascular phenotype. Last evaluated: 2019-09-03. Review status: criteria provided, single submitter. Criteria: Ambry Variant Classification Scheme 2023. Collection method: clinical testing. Allele origin: germline.
Comment: The p.T2444A variant (also known as c.7330A>G), located in coding exon 48 of the RYR2 gene, results from an A to G substitution at nucleotide position 7330. The threonine at codon 2444 is replaced by alanine, an amino acid with similar properties. This variant was reported in a sudden unexplained death cohort; however, clinical details were not provided (Lin Y et al. Circ Cardiovasc Genet, 2017 Dec;10:[Epub ahead of print]). This amino acid position is not well conserved, and alanine is the reference amino acid in other vertebrate species. In addition, the in silico prediction for this alteration is inconclusive. Since supporting evidence is limited at this time, the clinical significance of this alteration remains unclear.

Illumina Laboratory Services, Illumina
Classification: Uncertain significance for Catecholaminergic polymorphic ventricular tachycardia 1. Last evaluated: 2018-01-12. Review status: criteria provided, single submitter. Criteria: ICSL Variant Classification Criteria 13 December 2019. Collection method: clinical testing. Allele origin: germline.

Illumina Laboratory Services, Illumina
Classification: Uncertain significance for Catecholaminergic polymorphic ventricular tachycardia 1. Last evaluated: 2018-01-12. Review status: criteria provided, single submitter. Criteria: ICSL Variant Classification Criteria 13 December 2019. Collection method: clinical testing. Allele origin: germline.

Literature cited by the submitters: PubMed 29247119 (cited by Labcorp Genetics (formerly Invitae), Labcorp and Ambry Genetics).

NM_001035.3(RYR2):c.7330A>G (p.Thr2444Ala)

Gene: RYR2 (ryanodine receptor 2; plus strand). Cytogenetic location: 1q43.
Variant type: single nucleotide variant.
Coding change: c.7330A>G on transcript NM_001035.3 (MANE Select); coding-DNA position 7330, A replaced by G.
Protein change: p.Thr2444Ala; replaces threonine 2444 with alanine.
Molecular consequence: missense variant.
Genome position (GRCh38, 1-based): chr1:237,643,435, A>G. VCF-style: chr1-237643435-A-G. GRCh37 (hg19) VCF-style: chr1-237806735-A-G.
Other names: short protein forms T2444A.
Identifiers: ClinVar variation 874535 (VCV000874535.17), dbSNP rs1681783995, ClinGen allele CA345397079.